The following is an entry in ClinVar:

NM_003803.4(MYOM1):c.4432T>C (p.Tyr1478His)

Gene: MYOM1 (myomesin 1; minus strand). Cytogenetic location: 18p11.31.
Variant type: single nucleotide variant.
Coding change: c.4432T>C on transcript NM_003803.4 (MANE Select); coding-DNA position 4432, T replaced by C.
Protein change: p.Tyr1478His; replaces tyrosine 1478 with histidine.
Molecular consequence: missense variant.
Genome position (GRCh38, 1-based): chr18:3,083,841, A>G on the plus strand (T>C on the coding strand, the complement: MYOM1 is on the minus strand). VCF-style: chr18-3083841-A-G. GRCh37 (hg19) VCF-style: chr18-3083839-A-G.
Other names: c.4144T>C, p.Tyr1382His (NM_019856.2); short protein forms Y1382H, Y1478H.
Identifiers: ClinVar variation 2625118 (VCV002625118.2), dbSNP rs1030262505, ClinGen allele CA295542479.

ClinVar aggregate classification (germline): Uncertain significance (1 of 4 stars; one submission).

Allele frequency attached by ClinVar (database versions not stated): gnomAD exomes 0.00001.
gnomAD v4.1: 20 of 1,583,902 alleles (0.0013%); highest among the groups gnomAD compares: Non-Finnish European, 0.0017%; no homozygotes.

Submission:

Ambry Genetics
Classification: Uncertain significance. Last evaluated: 2023-09-05. Review status: criteria provided, single submitter. Criteria: Ambry Variant Classification Scheme 2023. Collection method: clinical testing. Allele origin: germline.
Comment: The p.Y1478H variant (also known as c.4432T>C), located in coding exon 32 of the MYOM1 gene, results from a T to C substitution at nucleotide position 4432. The tyrosine at codon 1478 is replaced by histidine, an amino acid with similar properties. This amino acid position is conserved. In addition, the in silico prediction for this alteration is inconclusive. Since supporting evidence is limited at this time, the clinical significance of this alteration remains unclear.